The following is an entry in ClinVar:

Conditions:
Breast-ovarian cancer, familial, susceptibility to, 1 (BROVCA1). Also called: BRCA1 Hereditary Breast and Ovarian Cancer; OVARIAN CANCER, SUSCEPTIBILITY TO. Identifiers: Orphanet 145, MedGen C2676676, MONDO:0011450, OMIM 604370. Disease mechanism: loss of function.

Submission:

Brotman Baty Institute, University of Washington
No classification provided (evidence only). Condition: Breast-ovarian cancer, familial 1. Review status: no classification provided. Collection method: in vitro. Allele origin: not applicable. Functional consequence: functionally_normal.
ClinVar note: "not provided" was previously submitted as the classification for the variant. However, the classification appeared to be based only on an observation of functional data so it was converted to no classification on 2025-07-30.

NM_007294.4(BRCA1):c.4971G>T (p.Leu1657=)

Gene: BRCA1 (BRCA1 DNA repair associated; minus strand). Cytogenetic location: 17q21.31.
Variant type: single nucleotide variant.
Coding change: c.4971G>T on transcript NM_007294.4 (MANE Select); coding-DNA position 4971, G replaced by T.
Protein change: p.Leu1657=; no amino-acid change (leucine 1657 retained).
Molecular consequence: synonymous variant. On other transcripts: intron variant (1).
Genome position (GRCh38, 1-based): chr17:43,070,943, C>A on the plus strand (G>T on the coding strand, the complement: BRCA1 is on the minus strand). VCF-style: chr17-43070943-C-A. GRCh37 (hg19) VCF-style: chr17-41222960-C-A.
Other names: c.4758G>T, p.Leu1586= (NM_001407571.1, NM_001407894.1, NM_001407895.1 and 12 more transcripts); c.5037G>T, p.Leu1679= (NM_001407581.1, NM_001407582.1); c.5034G>T, p.Leu1678= (NM_001407583.1, NM_001407585.1, NM_001407587.1 and 1 more transcripts); c.5031G>T, p.Leu1677= (NM_001407590.1, NM_001407591.1); c.4971G>T, p.Leu1657= (NM_001407593.1, NM_001407594.1, NM_001407596.1 and 8 more transcripts); c.4968G>T, p.Leu1656= (NM_001407610.1, NM_001407611.1, NM_001407612.1 and 17 more transcripts); c.4965G>T, p.Leu1655= (NM_001407627.1, NM_001407628.1, NM_001407629.1 and 14 more transcripts); c.4962G>T, p.Leu1654= (NM_001407644.1, NM_001407645.1); and 71 more.
Identifiers: ClinVar variation 865476 (VCV000865476.3), dbSNP rs786202058, ClinGen allele CA500231542.
Genomic context (GRCh38, chr17:43,070,943, plus strand): 5'-TTGTTAAGTCTTAGTCATTAGGGAGATACATATGGATACACTCACAAATTCTTCTGGGGT[C>A]AGGCCAGACACCACCATGGACATTCTTTTGTTGACCCTTTCTGTTGAAGCTGTCAATTCT-3'
Protein context (NP_009225.1, residues 1647-1667): NKRMSMVVSG[Leu1657=]TPEEFMLVYK